The following is an entry in ClinVar:

NM_000051.4(ATM):c.1898+5G>A

Gene: ATM (ATM serine/threonine kinase; plus strand). Cytogenetic location: 11q22.3.
Variant type: single nucleotide variant.
Coding change: c.1898+5G>A on transcript NM_000051.4 (MANE Select); 5 bases into the intron after coding-DNA position 1898, G replaced by A.
Molecular consequence: intron variant.
Genome position (GRCh38, 1-based): chr11:108,252,917, G>A. VCF-style: chr11-108252917-G-A. GRCh37 (hg19) VCF-style: chr11-108123644-G-A.
Other names: c.1898+5G>A (NM_001351834.2).
Identifiers: ClinVar variation 837902 (VCV000837902.10), dbSNP rs1372634189, ClinGen allele CA601695821.
Genomic context (GRCh38, chr11:108,252,917, plus strand): 5'-CTCACTATGAAAAACTGTAAAGCTGCAATGAATTTTTTCCAAAGCGTGCCAGAATGGTAT[G>A]TTATCTAATAATGCTCTTTATCATTTTAAGCTATAGCTTTAATTACAAAGATGATAATTT-3'

ClinVar aggregate classification (germline): Uncertain significance. Review status: criteria provided, multiple submitters, no conflicts (2 of 4 stars). 3 submissions from 3 submitters: Uncertain significance (2). 1 of the submissions does not count toward it. Last evaluated 2024-08-29.

Conditions:
Ataxia-telangiectasia syndrome (AT). Also called: Ataxia-telangiectasia, complementation group E; Ataxia telangiectasia (A-T); LOUIS-BAR SYNDROME; Ataxia-telangiectasia, complementation group D; AT, COMPLEMENTATION GROUP C; Ataxia-telangiectasia. Identifiers: Orphanet 100, MedGen C0004135, MONDO:0008840, OMIM 208900.
Hereditary cancer-predisposing syndrome. Also called: Neoplastic Syndromes, Hereditary; Hereditary neoplastic syndrome; Tumor predisposition; Hereditary Cancer Syndrome. Identifiers: Orphanet 140162, MedGen C0027672, MeSH D009386, MONDO:0015356.

Allele frequency attached by ClinVar (database versions not stated): gnomAD exomes below 0.00001.
gnomAD v4.1: 2 of 1,596,812 alleles (0.00013%); highest among the groups gnomAD compares: Admixed American, 0.0017%; no homozygotes.

Submissions (3):

Ambry Genetics
Classification: Uncertain significance for Hereditary cancer-predisposing syndrome. Last evaluated: 2024-08-29. Review status: criteria provided, single submitter. Criteria: Ambry Variant Classification Scheme 2023. Collection method: clinical testing. Allele origin: germline.
Comment: The c.1898+5G>A intronic variant results from a G to A substitution 5 nucleotides after coding exon 11 in the ATM gene. This nucleotide position is highly conserved in available vertebrate species. In silico splice site analysis predicts that this alteration will not have any significant effect on splicing. Based on the available evidence, the clinical significance of this variant remains unclear.

Labcorp Genetics (formerly Invitae), Labcorp
Classification: Uncertain significance for Ataxia-telangiectasia syndrome. Last evaluated: 2019-12-13. Review status: criteria provided, single submitter. Criteria: Invitae Variant Classification Sherloc (09022015). Collection method: clinical testing. Allele origin: germline.
Comment: This sequence change falls in intron 12 of the ATM gene. It does not directly change the encoded amino acid sequence of the ATM protein, but it affects a nucleotide within the consensus splice site of the intron. This variant is not present in population databases (ExAC no frequency). This variant has not been reported in the literature in individuals with ATM-related conditions. Nucleotide substitutions within the consensus splice site are a relatively common cause of aberrant splicing (PMID: 17576681, 9536098). Algorithms developed to predict the effect of sequence changes on RNA splicing suggest that this variant may disrupt the consensus splice site, but this prediction has not been confirmed by published transcriptional studies. In summary, the available evidence is currently insufficient to determine the role of this variant in disease. Therefore, it has been classified as a Variant of Uncertain Significance.

Natera, Inc.
Classification: Uncertain significance for Ataxia-telangiectasia. Last evaluated: 2020-10-28. Review status: no assertion criteria provided. Collection method: clinical testing. Allele origin: germline. Not counted in ClinVar's aggregate classification.

Literature cited by the submitters: PubMed 17576681 (cited by Labcorp Genetics (formerly Invitae), Labcorp); PubMed 9536098 (cited by Labcorp Genetics (formerly Invitae), Labcorp).